The following is an entry in ClinVar:

NM_000022.4(ADA):c.385G>T (p.Val129Leu)

Gene: ADA (adenosine deaminase; minus strand). Cytogenetic location: 20q13.12.
Variant type: single nucleotide variant.
Coding change: c.385G>T on transcript NM_000022.4 (MANE Select); coding-DNA position 385, G replaced by T.
Protein change: p.Val129Leu; replaces valine 129 with leucine.
Molecular consequence: missense variant. On other transcripts: non-coding transcript variant (1), intron variant (1).
Genome position (GRCh38, 1-based): chr20:44,625,662, C>A on the plus strand (G>T on the coding strand, the complement: ADA is on the minus strand). VCF-style: chr20-44625662-C-A. GRCh37 (hg19) VCF-style: chr20-43254303-C-A.
Other names: c.385G>T, p.Val129Leu (NM_001322051.2); c.73+794G>T (NM_001322050.2); short protein forms V129L.
Identifiers: ClinVar variation 1491839 (VCV001491839.6), dbSNP rs121908731, ClinGen allele CA315441606.

ClinVar aggregate classification (germline): Likely pathogenic (1 of 4 stars; one submission).

Conditions:
Severe combined immunodeficiency, autosomal recessive, T cell-negative, B cell-negative, NK cell-negative, due to adenosine deaminase deficiency. Also called: Adenosine Deaminase Deficiency; ADA deficiency; Adenosine deaminase deficient severe combined immunodeficiency; Severe combined immunodeficiency due to ADA deficiency; ADA-SCID; SCID DUE TO ADA DEFICIENCY. Identifiers: Orphanet 277, MedGen C0392607, MONDO:0007064, OMIM 102700.

gnomAD v4.1: 2 of 1,567,686 alleles (0.00013%); highest among the groups gnomAD compares: Non-Finnish European, 0.00017%; no homozygotes.

Submission:

Labcorp Genetics (formerly Invitae), Labcorp
Classification: Likely pathogenic for Severe combined immunodeficiency, autosomal recessive, T cell-negative, B cell-negative, NK cell-negative, due to adenosine deaminase deficiency. Last evaluated: 2023-04-03. Review status: criteria provided, single submitter. Criteria: Invitae Variant Classification Sherloc (09022015). Collection method: clinical testing. Allele origin: germline.
Comment: In summary, the currently available evidence indicates that the variant is pathogenic, but additional data are needed to prove that conclusively. Therefore, this variant has been classified as Likely Pathogenic. This variant disrupts the p.Val129 amino acid residue in ADA. Other variant(s) that disrupt this residue have been determined to be pathogenic (PMID: 10200056, 26255240, 26376800). This suggests that this residue is clinically significant, and that variants that disrupt this residue are likely to be disease-causing. Advanced modeling of protein sequence and biophysical properties (such as structural, functional, and spatial information, amino acid conservation, physicochemical variation, residue mobility, and thermodynamic stability) performed at Invitae indicates that this missense variant is expected to disrupt ADA protein function. ClinVar contains an entry for this variant (Variation ID: 1491839). This variant has not been reported in the literature in individuals affected with ADA-related conditions. This variant is not present in population databases (gnomAD no frequency). This sequence change replaces valine, which is neutral and non-polar, with leucine, which is neutral and non-polar, at codon 129 of the ADA protein (p.Val129Leu).

Literature cited by the submitters: PubMed 10200056; PubMed 26255240; PubMed 26376800.